The following is an entry in ClinVar:

ClinVar aggregate classification (germline): Uncertain significance (1 of 4 stars; one submission).

Allele frequency attached by ClinVar (database versions not stated): gnomAD exomes below 0.00001.
gnomAD v4.1: 1 of 1,614,128 alleles (0.000062%); highest among the groups gnomAD compares: Non-Finnish European, 0.000085%; no homozygotes.

Submission:

Labcorp Genetics (formerly Invitae), Labcorp
Classification: Uncertain significance. Last evaluated: 2022-07-06. Review status: criteria provided, single submitter. Criteria: Invitae Variant Classification Sherloc (09022015). Collection method: clinical testing. Allele origin: germline.
Comment: In summary, the available evidence is currently insufficient to determine the role of this variant in disease. Therefore, it has been classified as a Variant of Uncertain Significance. Algorithms developed to predict the effect of missense changes on protein structure and function are either unavailable or do not agree on the potential impact of this missense change (SIFT: "Deleterious"; PolyPhen-2: "Possibly Damaging"; Align-GVGD: "Class C15"). This variant has not been reported in the literature in individuals affected with NDUFA10-related conditions. This variant is not present in population databases (gnomAD no frequency). This sequence change replaces serine, which is neutral and polar, with arginine, which is basic and polar, at codon 31 of the NDUFA10 protein (p.Ser31Arg).

NM_004544.4(NDUFA10):c.91A>C (p.Ser31Arg)

Gene: NDUFA10 (NADH:ubiquinone oxidoreductase subunit A10; minus strand). Cytogenetic location: 2q37.3.
Variant type: single nucleotide variant.
Coding change: c.91A>C on transcript NM_004544.4 (MANE Select); coding-DNA position 91, A replaced by C.
Protein change: p.Ser31Arg; replaces serine 31 with arginine.
Molecular consequence: missense variant. On other transcripts: non-coding transcript variant (3).
Genome position (GRCh38, 1-based): chr2:240,022,325, T>G on the plus strand (A>C on the coding strand, the complement: NDUFA10 is on the minus strand). VCF-style: chr2-240022325-T-G. GRCh37 (hg19) VCF-style: chr2-240961742-T-G.
Other names: c.91A>C, p.Ser31Arg (NM_001322019.2, NM_001322020.2, NM_001410987.1); short protein forms S31R.
Identifiers: ClinVar variation 2014326 (VCV002014326.4), dbSNP rs2469853263, ClinGen allele CA351274998.